The following is an entry in ClinVar:

ClinVar aggregate classification (germline): Uncertain significance. Review status: criteria provided, multiple submitters, no conflicts (2 of 4 stars). 2 submissions from 2 submitters: Uncertain significance (2). Last evaluated 2025-10-16.

Conditions:
Hereditary cancer-predisposing syndrome. Also called: Hereditary neoplastic syndrome; Neoplastic Syndromes, Hereditary; Tumor predisposition; Hereditary Cancer Syndrome. Identifiers: Orphanet 140162, MedGen C0027672, MeSH D009386, MONDO:0015356.

Allele frequency attached by ClinVar (database versions not stated): TOPMed below 0.00001.

Submissions (2):

Ambry Genetics
Classification: Uncertain significance for Hereditary cancer-predisposing syndrome. Last evaluated: 2025-10-16. Review status: criteria provided, single submitter. Criteria: Ambry Variant Classification Scheme 2023. Collection method: clinical testing. Allele origin: germline.
Comment: The p.G286A variant (also known as c.857G>C), located in coding exon 6 of the NTHL1 gene, results from a G to C substitution at nucleotide position 857. The glycine at codon 286 is replaced by alanine, an amino acid with similar properties. This amino acid position is conserved. In addition, this alteration is predicted to be deleterious by in silico analysis. Based on the available evidence, the clinical significance of this variant remains unclear.

Labcorp Genetics (formerly Invitae), Labcorp
Classification: Uncertain significance. Last evaluated: 2023-01-28. Review status: criteria provided, single submitter. Criteria: Invitae Variant Classification Sherloc (09022015). Collection method: clinical testing. Allele origin: germline.
Comment: An algorithm developed to predict the effect of missense changes on protein structure and function (PolyPhen-2) suggests that this variant is likely to be disruptive. In summary, the available evidence is currently insufficient to determine the role of this variant in disease. Therefore, it has been classified as a Variant of Uncertain Significance. This variant has not been reported in the literature in individuals affected with NTHL1-related conditions. This variant is not present in population databases (gnomAD no frequency). This sequence change replaces glycine, which is neutral and non-polar, with alanine, which is neutral and non-polar, at codon 286 of the NTHL1 protein (p.Gly286Ala).

NM_002528.7(NTHL1):c.833G>C (p.Gly278Ala)

Gene: NTHL1 (nth like DNA glycosylase 1; minus strand). Cytogenetic location: 16p13.3.
Variant type: single nucleotide variant.
Coding change: c.833G>C on transcript NM_002528.7 (MANE Select); coding-DNA position 833, G replaced by C.
Protein change: p.Gly278Ala; replaces glycine 278 with alanine.
Molecular consequence: missense variant.
Genome position (GRCh38, 1-based): chr16:2,040,006, C>G on the plus strand (G>C on the coding strand, the complement: NTHL1 is on the minus strand). VCF-style: chr16-2040006-C-G. GRCh37 (hg19) VCF-style: chr16-2090007-C-G.
Other names: c.662G>C, p.Gly221Ala (NM_001318193.2); c.503G>C, p.Gly168Ala (NM_001318194.2); c.857G>C (NM_002528.5); short protein forms G221A, G278A, G168A.
Identifiers: ClinVar variation 2789088 (VCV002789088.4), dbSNP rs1209483262, ClinGen allele CA394287335.